The following is an entry in ClinVar:

ClinVar aggregate classification (germline): Benign/Likely benign. Review status: criteria provided, multiple submitters, no conflicts (2 of 4 stars). 12 submissions from 12 submitters: Benign (5); Likely benign (3). 4 of the submissions do not count toward it. Last evaluated 2026-07-01.

Conditions:
Autosomal dominant childhood-onset proximal spinal muscular atrophy with contractures (SMALED2A). Also called: Spinal muscular atrophy, lower extremity-predominant, 2A, autosomal dominant; SPINAL MUSCULAR ATROPHY, LOWER EXTREMITY-PREDOMINANT, 2A, CHILDHOOD ONSET, AUTOSOMAL DOMINANT. Identifiers: Orphanet 363447, Orphanet 363454, MedGen C4747715, MONDO:0014121, OMIM 615290.
BICD2-related disorder. Also called: BICD2-related condition.
Inborn genetic diseases. Identifiers: MedGen C0950123, MeSH D030342.

Allele frequency attached by ClinVar (database versions not stated): 1000 Genomes Project 30x 0.00078; 1000 Genomes Project 0.00100; ExAC 0.00282; gnomAD exomes 0.00294 and 0.00504; TOPMed 0.00321; ESP Exome Variant Server 0.00323; gnomAD 0.00332 and 0.00337.

Submissions (12):

CeGaT Center for Human Genetics Tuebingen
Classification: Likely benign. Last evaluated: 2026-07-01. Review status: criteria provided, single submitter. Criteria: CeGaT Center For Human Genetics Tuebingen Variant Classification Criteria Version 2. Collection method: clinical testing. Allele origin: germline. Affected: yes. Observed: 14 variant alleles.
Comment: BICD2: BP4, BP7, BS2

Labcorp Genetics (formerly Invitae), Labcorp
Classification: Benign for Autosomal dominant childhood-onset proximal spinal muscular atrophy with contractures. Last evaluated: 2026-02-03. Review status: criteria provided, single submitter. Criteria: Invitae Variant Classification Sherloc (09022015). Collection method: clinical testing. Allele origin: germline.

ARUP Laboratories, Molecular Genetics and Genomics, ARUP Laboratories
Classification: Benign. Last evaluated: 2025-04-21. Review status: criteria provided, single submitter. Criteria: ARUP Molecular Germline Variant Investigation Process 2024. Collection method: clinical testing. Allele origin: germline.

Mayo Clinic Laboratories, Mayo Clinic
Classification: Benign. Last evaluated: 2024-03-19. Review status: criteria provided, single submitter. Criteria: ACMG Guidelines, 2015. Collection method: clinical testing. Allele origin: germline. Observed: 19 variant alleles.
Comment: BS1, BS2, BP4, BP7

Genetic Services Laboratory, University of Chicago
Classification: Benign. Last evaluated: 2021-02-17. Review status: criteria provided, single submitter. Criteria: ACMG Guidelines, 2015. Collection method: clinical testing. Allele origin: germline. Affected: no.

Ambry Genetics
Classification: Likely benign for Inborn genetic diseases. Last evaluated: 2019-07-11. Review status: criteria provided, single submitter. Criteria: Ambry Variant Classification Scheme 2023. Collection method: clinical testing. Allele origin: germline.

GeneDx
Classification: Benign. Last evaluated: 2019-01-03. Review status: criteria provided, single submitter. Criteria: GeneDx Variant Classification Process June 2021. Collection method: clinical testing. Allele origin: germline. Affected: yes.

Breakthrough Genomics
Classification: Likely benign. Review status: criteria provided, single submitter. Criteria: ACMG Guidelines, 2015. Collection method: not provided. Allele origin: germline. Inheritance: Autosomal dominant inheritance. Affected: yes.

PreventionGenetics, part of Exact Sciences
Classification: Benign for BICD2-related condition. Last evaluated: 2020-09-30. Review status: no assertion criteria provided. Collection method: clinical testing. Allele origin: germline. Not counted in ClinVar's aggregate classification.
Comment: This variant is classified as benign based on ACMG/AMP sequence variant interpretation guidelines (Richards et al. 2015 PMID: 25741868, with internal and published modifications).

Clinical Genetics, Academic Medical Center
Classification: Benign. Review status: no assertion criteria provided. Collection method: clinical testing. Allele origin: germline. Affected: yes. Study: VKGL Data-share Consensus. Not counted in ClinVar's aggregate classification.

Genome Diagnostics Laboratory, University Medical Center Utrecht
Classification: Likely benign. Review status: no assertion criteria provided. Collection method: clinical testing. Allele origin: germline. Affected: yes. Study: VKGL Data-share Consensus. Not counted in ClinVar's aggregate classification.

Joint Genome Diagnostic Labs from Nijmegen and Maastricht, Radboudumc and MUMC+
Classification: Benign. Review status: no assertion criteria provided. Collection method: clinical testing. Allele origin: germline. Affected: yes. Study: VKGL Data-share Consensus. Not counted in ClinVar's aggregate classification.

NM_001003800.2(BICD2):c.2445G>A (p.Pro815=)

Gene: BICD2 (BICD cargo adaptor 2; minus strand). Cytogenetic location: 9q22.31.
Variant type: single nucleotide variant.
Coding change: c.2445G>A on transcript NM_001003800.2 (MANE Select); coding-DNA position 2445, G replaced by A.
Protein change: p.Pro815=; no amino-acid change (proline 815 retained).
Molecular consequence: synonymous variant.
Genome position (GRCh38, 1-based): chr9:92,715,277, C>T on the plus strand (G>A on the coding strand, the complement: BICD2 is on the minus strand). VCF-style: chr9-92715277-C-T. GRCh37 (hg19) VCF-style: chr9-95477559-C-T.
Other names: p.Pro815=; c.2445G>A, p.Pro815= (NM_015250.4).
Identifiers: ClinVar variation 386265 (VCV000386265.58), dbSNP rs34451610, ClinGen allele CA5126297.